The following is an entry in ClinVar:

ClinVar aggregate classification (germline): Uncertain significance (1 of 4 stars; one submission).

Conditions:
Immunodeficiency. Identifiers: MedGen C0021051, MONDO:0021094, HP:0002721.

Submission:

Labcorp Genetics (formerly Invitae), Labcorp
Classification: Uncertain significance for Immunodeficiency. Last evaluated: 2022-05-22. Review status: criteria provided, single submitter. Criteria: Invitae Variant Classification Sherloc (09022015). Collection method: clinical testing. Allele origin: germline.
Comment: In summary, the available evidence is currently insufficient to determine the role of this variant in disease. Therefore, it has been classified as a Variant of Uncertain Significance. Algorithms developed to predict the effect of missense changes on protein structure and function are either unavailable or do not agree on the potential impact of this missense change (SIFT: "Tolerated"; PolyPhen-2: "Possibly Damaging"; Align-GVGD: "Class C15"). This variant has not been reported in the literature in individuals affected with NFAT5-related conditions. This variant is not present in population databases (gnomAD no frequency). This sequence change replaces glycine, which is neutral and non-polar, with arginine, which is basic and polar, at codon 973 of the NFAT5 protein (p.Gly973Arg).

NM_138713.4(NFAT5):c.3199G>A (p.Gly1067Arg)

Gene: NFAT5 (nuclear factor of activated T cells 5; plus strand). Cytogenetic location: 16q22.1.
Variant type: single nucleotide variant.
Coding change: c.3199G>A on transcript NM_138713.4 (MANE Select); coding-DNA position 3199, G replaced by A.
Protein change: p.Gly1067Arg; replaces glycine 1067 with arginine.
Molecular consequence: missense variant.
Genome position (GRCh38, 1-based): chr16:69,693,024, G>A. VCF-style: chr16-69693024-G-A. GRCh37 (hg19) VCF-style: chr16-69726927-G-A.
Other names: c.3196G>A, p.Gly1066Arg (NM_001113178.3); c.2524G>A, p.Gly842Arg (NM_001367709.1); c.3145G>A, p.Gly1049Arg (NM_006599.4); c.2917G>A, p.Gly973Arg (NM_138714.4, NM_173214.3, NM_173215.3); short protein forms G1066R, G1067R, G842R, G973R, G1049R.
Identifiers: ClinVar variation 1998028 (VCV001998028.4), dbSNP rs2544242652, ClinGen allele CA396512481.